The following is an entry in ClinVar:

NM_004304.5(ALK):c.4857del (p.Ter1621GluextTer?)

Gene: ALK (ALK receptor tyrosine kinase; minus strand). Cytogenetic location: 2p23.2.
Variant type: Deletion.
Coding change: c.4857del on transcript NM_004304.5 (MANE Select); coding-DNA position 4857, one base deleted (G; older notation c.4857delG).
Protein change: p.Ter1621GluextTer?.
Molecular consequence: frameshift variant.
Genome position (GRCh38, 1-based): chr2:29,193,230, C deleted on the plus strand (G on the coding strand, the reverse complement: ALK is on the minus strand); the first of 3 consecutive C bases (chr2:29,193,230-29,193,232); deleting any one gives the same sequence. VCF-style (leftmost placement, unchanged base first): chr2-29193229-GC-G. GRCh37 (hg19) VCF-style: chr2-29416095-GC-G.
Other names: c.1653del, p.Ter553GluextTer? (NM_001353765.2).
Identifiers: ClinVar variation 4272109 (VCV004272109.1).
Genomic context (GRCh38, chr2:29,193,229, plus strand): 5'-CTCTCCTCCACGGTCTTAGGGATCCCAAGGAAGAGAAGTGAGTGTGCGACCGAGCTCAGG[GC>G]CCAGGCTGGTTCATGCTATTCTTGCTTTTCAGAATGGTATCCTCGTAATGACCAGCTCCA-3'

ClinVar aggregate classification (germline): Uncertain significance (1 of 4 stars; one submission).

Conditions:
Hereditary cancer-predisposing syndrome. Also called: Hereditary Cancer Syndrome; Hereditary neoplastic syndrome; Neoplastic Syndromes, Hereditary; Tumor predisposition. Identifiers: Orphanet 140162, MedGen C0027672, MeSH D009386, MONDO:0015356.

Submission:

Ambry Genetics
Classification: Uncertain significance for Hereditary cancer-predisposing syndrome. Last evaluated: 2025-07-02. Review status: criteria provided, single submitter. Criteria: Ambry Variant Classification Scheme 2023. Collection method: clinical testing. Allele origin: germline.
Comment: The c.4857delG variant, located in coding exon 29 of the ALK gene, results from a deletion of one nucleotide at nucleotide position 4857, causing a translational frameshift with a predicted alternate stop codon (p.*1621Eext*13). This alteration disrupts the stop codon of the ALK gene and is predicted to preserve the native sequence while resulting in the elongation of the protein by 13 amino acids. The exact functional effect of the additional amino acids is unknown. Based on the available evidence, the clinical significance of this variant remains unclear.